The following is an entry in ClinVar:

NM_002439.5(MSH3):c.3394C>G (p.Gln1132Glu)

Gene: MSH3 (mutS homolog 3; plus strand). Cytogenetic location: 5q14.1.
Variant type: single nucleotide variant.
Coding change: c.3394C>G on transcript NM_002439.5 (MANE Select); coding-DNA position 3394, C replaced by G.
Protein change: p.Gln1132Glu; replaces glutamine 1132 with glutamic acid.
Molecular consequence: missense variant.
Genome position (GRCh38, 1-based): chr5:80,875,842, C>G. VCF-style: chr5-80875842-C-G. GRCh37 (hg19) VCF-style: chr5-80171661-C-G.
Other names: c.3394C>G (NM_002439.4, NM_002439.3); short protein forms Q1132E.
Identifiers: ClinVar variation 1043851 (VCV001043851.11), dbSNP rs1157191855, ClinGen allele CA360347476.

ClinVar aggregate classification (germline): Uncertain significance. Review status: criteria provided, multiple submitters, no conflicts (2 of 4 stars). 3 submissions from 3 submitters: Uncertain significance (3). Last evaluated 2025-10-25.

Conditions:
Hereditary cancer-predisposing syndrome. Also called: Hereditary Cancer Syndrome; Tumor predisposition; Hereditary neoplastic syndrome; Neoplastic Syndromes, Hereditary. Identifiers: Orphanet 140162, MedGen C0027672, MeSH D009386, MONDO:0015356.

Allele frequency attached by ClinVar (database versions not stated): TOPMed below 0.00001; gnomAD 0.00001.
gnomAD v4.1: 1 of 1,606,316 alleles (0.000062%); highest among the groups gnomAD compares: Non-Finnish European, 0.000085%; no homozygotes.

Submissions (3):

Ambry Genetics
Classification: Uncertain significance for Hereditary cancer-predisposing syndrome. Last evaluated: 2025-10-25. Review status: criteria provided, single submitter. Criteria: Ambry Variant Classification Scheme 2023. Collection method: clinical testing. Allele origin: germline.
Comment: The p.Q1132E variant (also known as c.3394C>G), located in coding exon 24 of the MSH3 gene, results from a C to G substitution at nucleotide position 3394. The glutamine at codon 1132 is replaced by glutamic acid, an amino acid with highly similar properties. This amino acid position is conserved. In addition, this alteration is predicted to be tolerated by in silico analysis. Since supporting evidence is limited at this time, the clinical significance of this alteration remains unclear.

Labcorp Genetics (formerly Invitae), Labcorp
Classification: Uncertain significance. Last evaluated: 2024-10-09. Review status: criteria provided, single submitter. Criteria: Invitae Variant Classification Sherloc (09022015). Collection method: clinical testing. Allele origin: germline.
Comment: This sequence change replaces glutamine, which is neutral and polar, with glutamic acid, which is acidic and polar, at codon 1132 of the MSH3 protein (p.Gln1132Glu). This variant is present in population databases (no rsID available, gnomAD 0.007%). This variant has not been reported in the literature in individuals affected with MSH3-related conditions. ClinVar contains an entry for this variant (Variation ID: 1043851). An algorithm developed to predict the effect of missense changes on protein structure and function (PolyPhen-2) suggests that this variant is likely to be tolerated. In summary, the available evidence is currently insufficient to determine the role of this variant in disease. Therefore, it has been classified as a Variant of Uncertain Significance.

Quest Diagnostics Nichols Institute San Juan Capistrano
Classification: Uncertain significance. Last evaluated: 2024-06-14. Review status: criteria provided, single submitter. Criteria: Quest Diagnostics criteria. Collection method: clinical testing. Allele origin: unknown.
Comment: The MSH3 c.3394C>G (p.Gln1132Glu) variant has not been reported in individuals with MSH3-related conditions in the published literature. The frequency of this variant in the general population, 0.000032 (1/31396 chromosomes (Genome Aggregation Database)), is uninformative in the assessment of its pathogenicity. Analysis of this variant using bioinformatics tools for the prediction of the effect of amino acid changes on protein structure and function yielded predictions that this variant is benign. Based on the available information, we are unable to determine the clinical significance of this variant.